The following is an entry in ClinVar:

ClinVar aggregate classification (germline): Pathogenic (1 of 4 stars; one submission).

Conditions:
Hereditary cancer-predisposing syndrome. Also called: Tumor predisposition; Hereditary Cancer Syndrome; Hereditary neoplastic syndrome; Neoplastic Syndromes, Hereditary. Identifiers: Orphanet 140162, MedGen C0027672, MeSH D009386, MONDO:0015356.

Submission:

Ambry Genetics
Classification: Pathogenic for Hereditary cancer-predisposing syndrome. Last evaluated: 2025-11-17. Review status: criteria provided, single submitter. Criteria: Ambry Variant Classification Scheme 2023. Collection method: clinical testing. Allele origin: germline.
Comment: The c.619_622dupGACG pathogenic mutation, located in coding exon 5 of the STK11 gene, results from a duplication of GACG at nucleotide position 619, causing a translational frameshift with a predicted alternate stop codon (p.D208Gfs*59). This variant was reported in individual(s) with features consistent with Peutz-Jeghers syndrome (Ambry internal data). This alteration is expected to result in loss of function by premature protein truncation or nonsense-mediated mRNA decay. As such, this alteration is interpreted as a disease-causing mutation.

NM_000455.5(STK11):c.619_622dup (p.Asp208fs)

Gene: STK11 (serine/threonine kinase 11; plus strand). Cytogenetic location: 19p13.3.
Variant type: Duplication.
Coding change: c.619_622dup on transcript NM_000455.5 (MANE Select); coding-DNA positions 619 to 622, 4 bases duplicated (GACG; older notation c.619_622dupGACG).
Protein change: p.Asp208fs; shifts the reading frame from aspartic acid 208.
Molecular consequence: frameshift variant. On other transcripts: non-coding transcript variant (1).
Genome position (GRCh38, 1-based): chr19:1,220,602-1,220,605, GACG duplicated; duplicating any 4 consecutive bases within chr19:1,220,600-1,220,605 gives the same sequence; the c. name uses the placement nearest the transcript's 3' end. VCF-style (leftmost placement, unchanged base first): chr19-1220599-G-GCGGA. GRCh37 (hg19) VCF-style: chr19-1220598-G-GCGGA.
Other names: c.619_622dupGACG (NM_000455.4); c.619_622dup, p.Asp208fs (NM_001407255.1); short protein forms D208fs.
Identifiers: ClinVar variation 4551349 (VCV004551349.1).